The following is an entry in ClinVar:

ClinVar aggregate classification (germline): Uncertain significance (1 of 4 stars; one submission).

Allele frequency attached by ClinVar (database versions not stated): ExAC 0.00002; TOPMed 0.00006; gnomAD 0.00007; ESP Exome Variant Server 0.00008.
gnomAD v4.1: 16 of 1,559,562 alleles (0.001%); highest among the groups gnomAD compares: African/African-American, 0.021%; no homozygotes.

Submission:

Labcorp Genetics (formerly Invitae), Labcorp
Classification: Uncertain significance. Last evaluated: 2022-08-23. Review status: criteria provided, single submitter. Criteria: Invitae Variant Classification Sherloc (09022015). Collection method: clinical testing. Allele origin: germline.
Comment: In summary, the available evidence is currently insufficient to determine the role of this variant in disease. Therefore, it has been classified as a Variant of Uncertain Significance. Algorithms developed to predict the effect of missense changes on protein structure and function are either unavailable or do not agree on the potential impact of this missense change (SIFT: "Deleterious"; PolyPhen-2: "Possibly Damaging"; Align-GVGD: "Class C0"). This variant has not been reported in the literature in individuals affected with KIAA0753-related conditions. This variant is present in population databases (rs368690190, gnomAD 0.02%). This sequence change replaces glutamic acid, which is acidic and polar, with glutamine, which is neutral and polar, at codon 858 of the KIAA0753 protein (p.Glu858Gln).

NM_014804.3(KIAA0753):c.2572G>C (p.Glu858Gln)

Gene: KIAA0753 (KIAA0753; minus strand). Cytogenetic location: 17p13.1.
Variant type: single nucleotide variant.
Coding change: c.2572G>C on transcript NM_014804.3 (MANE Select); coding-DNA position 2572, G replaced by C.
Protein change: p.Glu858Gln; replaces glutamic acid 858 with glutamine.
Molecular consequence: missense variant. On other transcripts: non-coding transcript variant (3).
Genome position (GRCh38, 1-based): chr17:6,589,993, C>G on the plus strand (G>C on the coding strand, the complement: KIAA0753 is on the minus strand). VCF-style: chr17-6589993-C-G. GRCh37 (hg19) VCF-style: chr17-6493313-C-G.
Other names: c.1675G>C, p.Glu559Gln (NM_001351225.2); short protein forms E858Q, E559Q.
Identifiers: ClinVar variation 1983934 (VCV001983934.2), dbSNP rs368690190, ClinGen allele CA8330105.